The following is an entry in ClinVar:

ClinVar aggregate classification (germline): Uncertain significance (1 of 4 stars; one submission).

Submission:

GeneDx
Classification: Uncertain significance. Last evaluated: 2019-09-04. Review status: criteria provided, single submitter. Criteria: GeneDx Variant Classification Process June 2021. Collection method: clinical testing. Allele origin: germline. Affected: yes.
Comment: Not observed in large population cohorts (Lek et al., 2016); In silico analysis, which includes protein predictors and evolutionary conservation, supports a deleterious effect; Has not been previously published as pathogenic or benign to our knowledge

NM_007055.4(POLR3A):c.3206G>T (p.Arg1069Leu)

Genes: POLR3A (RNA polymerase III subunit A; minus strand), LOC126860970 (BRD4-independent group 4 enhancer GRCh37_chr10:79743812-79745011; plus strand). Cytogenetic location: 10q22.3.
Variant type: single nucleotide variant.
Coding change: c.3206G>T on transcript NM_007055.4 (MANE Select); coding-DNA position 3206, G replaced by T.
Protein change: p.Arg1069Leu; replaces arginine 1069 with leucine.
Molecular consequence: missense variant.
Genome position (GRCh38, 1-based): chr10:77,985,206, C>A on the plus strand (G>T on the coding strand, the complement: POLR3A is on the minus strand). VCF-style: chr10-77985206-C-A. GRCh37 (hg19) VCF-style: chr10-79744964-C-A.
Other names: short protein forms R1069L.
Identifiers: ClinVar variation 1310117 (VCV001310117.2), dbSNP rs778985686, ClinGen allele CA377331062.